The following is an entry in ClinVar:

NM_002029.4(FPR1):c.511A>C (p.Thr171Pro)

Gene: FPR1 (formyl peptide receptor 1; minus strand). Cytogenetic location: 19q13.41.
Variant type: single nucleotide variant.
Coding change: c.511A>C on transcript NM_002029.4 (MANE Select); coding-DNA position 511, A replaced by C.
Protein change: p.Thr171Pro; replaces threonine 171 with proline.
Molecular consequence: missense variant.
Genome position (GRCh38, 1-based): chr19:51,746,484, T>G on the plus strand (A>C on the coding strand, the complement: FPR1 is on the minus strand). VCF-style: chr19-51746484-T-G. GRCh37 (hg19) VCF-style: chr19-52249737-T-G.
Other names: c.511A>C, p.Thr171Pro (NM_001193306.2); short protein forms T171P.
Identifiers: ClinVar variation 646664 (VCV000646664.10), dbSNP rs771064181, ClinGen allele CA9616450.

ClinVar aggregate classification (germline): Uncertain significance (1 of 4 stars; one submission).

Conditions:
Gingival disorder. Also called: Gingival disease. Identifiers: MedGen C0017563, MONDO:0002021.

Allele frequency attached by ClinVar (database versions not stated): gnomAD exomes below 0.00001; ExAC 0.00001; gnomAD 0.00001; TOPMed 0.00001.
gnomAD v4.1: 3 of 1,613,940 alleles (0.00019%); highest among the groups gnomAD compares: Non-Finnish European, 0.00025%; no homozygotes.

Submission:

Labcorp Genetics (formerly Invitae), Labcorp
Classification: Uncertain significance for Gingival disorder. Last evaluated: 2025-08-25. Review status: criteria provided, single submitter. Criteria: Invitae Variant Classification Sherloc (09022015). Collection method: clinical testing. Allele origin: germline.
Comment: This sequence change replaces threonine, which is neutral and polar, with proline, which is neutral and non-polar, at codon 171 of the FPR1 protein (p.Thr171Pro). This variant is present in population databases (rs771064181, gnomAD no frequency). This variant has not been reported in the literature in individuals affected with FPR1-related conditions. ClinVar contains an entry for this variant (Variation ID: 646664). An algorithm developed to predict the effect of missense changes on protein structure and function outputs the following: PolyPhen-2: "Benign". The proline amino acid residue is found in multiple mammalian species, which suggests that this missense change does not adversely affect protein function. In summary, the available evidence is currently insufficient to determine the role of this variant in disease. Therefore, it has been classified as a Variant of Uncertain Significance.